The following is an entry in ClinVar:

NM_001369268.1(ACAN):c.2953A>G (p.Thr985Ala)

Gene: ACAN (aggrecan; plus strand). Cytogenetic location: 15q26.1.
Variant type: single nucleotide variant.
Coding change: c.2953A>G on transcript NM_001369268.1 (MANE Select); coding-DNA position 2953, A replaced by G.
Protein change: p.Thr985Ala; replaces threonine 985 with alanine.
Molecular consequence: missense variant.
Genome position (GRCh38, 1-based): chr15:88,855,538, A>G. VCF-style: chr15-88855538-A-G. GRCh37 (hg19) VCF-style: chr15-89398769-A-G.
Other names: c.2953A>G, p.Thr985Ala (NM_001135.4, NM_013227.4); short protein forms T985A.
Identifiers: ClinVar variation 225092 (VCV000225092.5), dbSNP rs200194458, ClinGen allele CA358079.

ClinVar aggregate classification (germline): Uncertain significance. Review status: criteria provided, multiple submitters, no conflicts (2 of 4 stars). 2 submissions from 2 submitters: Uncertain significance (2). Last evaluated 2023-10-25.

Conditions:
Inborn genetic diseases. Identifiers: MedGen C0950123, MeSH D030342.

Allele frequency attached by ClinVar (database versions not stated): 1000 Genomes Project 0.00120; gnomAD 0.00128 and 0.00146; 1000 Genomes Project 30x 0.00578.

Submissions (2):

Women's Health and Genetics/Laboratory Corporation of America, LabCorp
Classification: Uncertain significance. Last evaluated: 2023-10-25. Review status: criteria provided, single submitter. Criteria: LabCorp Variant Classification Summary - May 2015. Collection method: clinical testing. Allele origin: germline.
Comment: Variant summary: ACAN c.2953A>G (p.Thr985Ala) results in a non-conservative amino acid change in the encoded protein sequence. Four of five in-silico tools predict a benign effect of the variant on protein function. The variant allele was found at a frequency of 0.00035 in 245204 control chromosomes. To our knowledge, no occurrence of c.2953A>G in individuals affected with ACAN-Related Disorders and no experimental evidence demonstrating its impact on protein function have been reported. No submitters have cited clinical-significance assessments for this variant to ClinVar after 2014. Based on the evidence outlined above, the variant was classified as uncertain significance.

Ambry Genetics
Classification: Uncertain significance for Inborn genetic diseases. Last evaluated: 2014-03-07. Review status: criteria provided, single submitter. Criteria: Ambry Autosomal Dominant and X-Linked criteria (10/2015). Collection method: clinical testing. Allele origin: germline. Observed: 1 variant allele.
Comment: There is insufficient or conflicting evidence for classification of this alteration.